The following is an entry in ClinVar:

NM_000090.4(COL3A1):c.2098C>A (p.Pro700Thr)

Gene: COL3A1 (collagen type III alpha 1 chain; plus strand). Cytogenetic location: 2q32.2.
Variant type: single nucleotide variant.
Coding change: c.2098C>A on transcript NM_000090.4 (MANE Select); coding-DNA position 2098, C replaced by A.
Protein change: p.Pro700Thr; replaces proline 700 with threonine.
Molecular consequence: missense variant.
Genome position (GRCh38, 1-based): chr2:188,999,360, C>A. VCF-style: chr2-188999360-C-A. GRCh37 (hg19) VCF-style: chr2-189864086-C-A.
Other names: short protein forms P700T.
Identifiers: ClinVar variation 2738449 (VCV002738449.6), dbSNP rs1261828944, ClinGen allele CA349840296.
Genomic context (GRCh38, chr2:188,999,360, plus strand): 5'-CCTGGTGAACGTGGACCTCCTGGATTGGCAGGGGCCCCAGGACTTAGAGGTGGAGCTGGT[C>A]CCCCTGGTCCCGAAGGAGGAAAGGTAACTCCACAGCATTCCATTCACCTAGGTTTAAAAA-3'
Protein context (NP_000081.2, residues 690-710): GAPGLRGGAG[Pro700Thr]PGPEGGKGAA

ClinVar aggregate classification (germline): Uncertain significance. Review status: criteria provided, multiple submitters, no conflicts (2 of 4 stars). 3 submissions from 3 submitters: Uncertain significance (3). Last evaluated 2025-01-07.

Conditions:
Ehlers-Danlos syndrome, type 4 (EDSVASC). Also called: Ehlers-Danlos Syndrome Type IV; Ehlers-Danlos syndrome vascular type; Ehlers Danlos syndrome, ecchymotic type; Ehlers Danlos syndrome, arterial type; Ehlers Danlos syndrome, Sack-Barabas type. Identifiers: Orphanet 286, MedGen C0268338, MONDO:0017314, OMIM 130050.
Familial thoracic aortic aneurysm and aortic dissection (TAAD). Also called: Thoracic aortic aneurysms and dissections. Identifiers: Orphanet 91387, MedGen C4707243, MONDO:0019625.

gnomAD v4.1: 1 of 1,603,072 alleles (0.000062%); highest among the groups gnomAD compares: Non-Finnish European, 0.000085%; no homozygotes.

Submissions (3):

Women's Health and Genetics/Laboratory Corporation of America, LabCorp
Classification: Uncertain significance. Last evaluated: 2025-01-07. Review status: criteria provided, single submitter. Criteria: LabCorp Variant Classification Summary - May 2015. Collection method: clinical testing. Allele origin: germline.
Comment: Variant summary: COL3A1 c.2098C>A (p.Pro700Thr) results in a non-conservative amino acid change in the encoded protein sequence. Three of five in-silico tools predict a damaging effect of the variant on protein function. The variant allele was found at a frequency of 4.4e-06 in 226402 control chromosomes. The available data on variant occurrences in the general population are insufficient to allow any conclusion about variant significance. To our knowledge, no occurrence of c.2098C>A in individuals affected with Polymicrogyria with or without vascular-type Ehlers-Danlos syndrome and no experimental evidence demonstrating its impact on protein function have been reported. ClinVar contains an entry for this variant (Variation ID: 2738449). Based on the evidence outlined above, the variant was classified as uncertain significance.

Labcorp Genetics (formerly Invitae), Labcorp
Classification: Uncertain significance for Ehlers-Danlos syndrome, type 4. Last evaluated: 2024-10-31. Review status: criteria provided, single submitter. Criteria: Invitae Variant Classification Sherloc (09022015). Collection method: clinical testing. Allele origin: germline.
Comment: This sequence change replaces proline, which is neutral and non-polar, with threonine, which is neutral and polar, at codon 700 of the COL3A1 protein (p.Pro700Thr). The frequency data for this variant in the population databases is considered unreliable, as metrics indicate poor data quality at this position in the gnomAD database. This variant has not been reported in the literature in individuals affected with COL3A1-related conditions. ClinVar contains an entry for this variant (Variation ID: 2738449). Invitae Evidence Modeling of protein sequence and biophysical properties (such as structural, functional, and spatial information, amino acid conservation, physicochemical variation, residue mobility, and thermodynamic stability) indicates that this missense variant is not expected to disrupt COL3A1 protein function with a negative predictive value of 95%. In summary, the available evidence is currently insufficient to determine the role of this variant in disease. Therefore, it has been classified as a Variant of Uncertain Significance.

Color Diagnostics, LLC DBA Color Health
Classification: Uncertain significance for Familial thoracic aortic aneurysm and aortic dissection. Last evaluated: 2023-11-22. Review status: criteria provided, single submitter. Criteria: ACMG Guidelines, 2015. Collection method: clinical testing. Allele origin: germline.
Comment: This missense variant replaces proline with threonine at codon 700 of the COL3A1 protein. Computational prediction suggests that this variant may not impact protein structure and function. To our knowledge, functional studies have not been reported for this variant. This variant has not been reported in individuals affected with COL3A1-related disorders in the literature. This variant has been identified in 1/226402 chromosomes in the general population by the Genome Aggregation Database (gnomAD). The available evidence is insufficient to determine the role of this variant in disease conclusively. Therefore, this variant is classified as a Variant of Uncertain Significance.